The following is an entry in ClinVar:

ClinVar aggregate classification (germline): Uncertain significance (1 of 4 stars; one submission).

Conditions:
Cohen syndrome (COH1). Also called: PEPPER SYNDROME; Cutis verticis gyrata, retinitis pigmentosa, and sensorineural deafness. Identifiers: Orphanet 193, MedGen C0265223, MONDO:0008999, OMIM 216550.

Submission:

Labcorp Genetics (formerly Invitae), Labcorp
Classification: Uncertain significance for Cohen syndrome. Last evaluated: 2022-11-22. Review status: criteria provided, single submitter. Criteria: Invitae Variant Classification Sherloc (09022015). Collection method: clinical testing. Allele origin: germline.
Comment: This sequence change replaces glutamine, which is neutral and polar, with arginine, which is basic and polar, at codon 1572 of the VPS13B protein (p.Gln1572Arg). This variant is not present in population databases (gnomAD no frequency). This variant has not been reported in the literature in individuals affected with VPS13B-related conditions. ClinVar contains an entry for this variant (Variation ID: 1474275). Advanced modeling of protein sequence and biophysical properties (such as structural, functional, and spatial information, amino acid conservation, physicochemical variation, residue mobility, and thermodynamic stability) performed at Invitae indicates that this missense variant is not expected to disrupt VPS13B protein function. In summary, the available evidence is currently insufficient to determine the role of this variant in disease. Therefore, it has been classified as a Variant of Uncertain Significance.

NM_152564.5(VPS13B):c.4640A>G (p.Gln1547Arg)

Gene: VPS13B (vacuolar protein sorting 13 homolog B; plus strand). Cytogenetic location: 8q22.2.
Variant type: single nucleotide variant.
Coding change: c.4640A>G on transcript NM_152564.5 (MANE Select); coding-DNA position 4640, A replaced by G.
Protein change: p.Gln1547Arg; replaces glutamine 1547 with arginine.
Molecular consequence: missense variant.
Genome position (GRCh38, 1-based): chr8:99,520,905, A>G. VCF-style: chr8-99520905-A-G. GRCh37 (hg19) VCF-style: chr8-100533133-A-G.
Other names: c.4715A>G, p.Gln1572Arg (NM_017890.5); short protein forms Q1547R, Q1572R.
Identifiers: ClinVar variation 1474275 (VCV001474275.6), dbSNP rs2133668123, ClinGen allele CA371866388.